The following is an entry in ClinVar:

NM_003482.4(KMT2D):c.14071dup (p.Val4691fs)

Gene: KMT2D (lysine methyltransferase 2D; minus strand). Cytogenetic location: 12q13.12.
Variant type: Duplication.
Coding change: c.14071dup on transcript NM_003482.4 (MANE Select); coding-DNA position 14071, one base duplicated (G; older notation c.14071dupG).
Protein change: p.Val4691fs; shifts the reading frame from valine 4691.
Molecular consequence: frameshift variant.
Genome position (GRCh38, 1-based): chr12:49,029,405, C duplicated on the plus strand (G on the coding strand, the reverse complement: KMT2D is on the minus strand). VCF-style (leftmost placement, unchanged base first): chr12-49029404-A-AC. GRCh37 (hg19) VCF-style: chr12-49423187-A-AC.
Other names: short protein forms V4691fs.
Identifiers: ClinVar variation 1401223 (VCV001401223.6), dbSNP rs2120397732, ClinGen allele CA2573148682.
Genomic context (GRCh38, chr12:49,029,404, plus strand): 5'-TGAGGCAACCTGTACCCCACCCTTGTTCCTCATCCCCATTTCTGGCCCCGCCCCTACCTG[A>AC]CATCCTCAGTCTGATTGTGAGGGGGTGTAGGCAAGGCAGCCAGCAGGTCTAGACTCTTCA-3'

ClinVar aggregate classification (germline): Pathogenic (1 of 4 stars; one submission).

Conditions:
Kabuki syndrome. Also called: NIIKAWA-KUROKI SYNDROME; Kabuki make-up syndrome. Identifiers: Orphanet 2322, MedGen C0796004, MONDO:0016512.

Submission:

Labcorp Genetics (formerly Invitae), Labcorp
Classification: Pathogenic for Kabuki syndrome. Last evaluated: 2021-07-29. Review status: criteria provided, single submitter. Criteria: Invitae Variant Classification Sherloc (09022015). Collection method: clinical testing. Allele origin: germline.
Comment: For these reasons, this variant has been classified as Pathogenic. Algorithms developed to predict the effect of sequence changes on RNA splicing suggest that this variant may create or strengthen a splice site. This variant has not been reported in the literature in individuals affected with KMT2D-related conditions. This variant is not present in population databases (ExAC no frequency). This sequence change creates a premature translational stop signal (p.Val4691Glyfs*6) in the KMT2D gene. It is expected to result in an absent or disrupted protein product. Loss-of-function variants in KMT2D are known to be pathogenic (PMID: 22126750).

Literature cited by the submitters: PubMed 22126750.